The following is an entry in ClinVar:

ClinVar aggregate classification (germline): Uncertain significance. Review status: criteria provided, multiple submitters, no conflicts (2 of 4 stars). 2 submissions from 2 submitters: Uncertain significance (2). Last evaluated 2024-01-24.

Conditions:
Microvascular complications of diabetes, susceptibility to, 3. Identifiers: MedGen C2675470, MONDO:0012963, OMIM 612624.
Renal tubular dysgenesis of genetic origin. Also called: PRIMITIVE RENAL TUBULE SYNDROME. Identifiers: Orphanet 97369, MedGen C5681536, MONDO:0009970, OMIM 267430.
Hemorrhage, intracerebral, susceptibility to (ICH). Also called: Stroke, hemorrhagic, susceptibility to. Identifiers: MedGen C3281105, MONDO:0100533, OMIM 614519.

Allele frequency attached by ClinVar (database versions not stated): 1000 Genomes Project 30x 0.00016.

Submissions (2):

Fulgent Genetics
Classification: Uncertain significance for Renal tubular dysgenesis of genetic origin; Microvascular complications of diabetes, susceptibility to, 3; Hemorrhage, intracerebral, susceptibility to. Last evaluated: 2024-01-24. Review status: criteria provided, single submitter. Criteria: ACMG Guidelines, 2015. Collection method: clinical testing. Allele origin: germline.

Labcorp Genetics (formerly Invitae), Labcorp
Classification: Uncertain significance. Last evaluated: 2021-12-20. Review status: criteria provided, single submitter. Criteria: Invitae Variant Classification Sherloc (09022015). Collection method: clinical testing. Allele origin: germline.
Comment: In summary, the available evidence is currently insufficient to determine the role of this variant in disease. Therefore, it has been classified as a Variant of Uncertain Significance. Algorithms developed to predict the effect of missense changes on protein structure and function (SIFT, PolyPhen-2, Align-GVGD) all suggest that this variant is likely to be disruptive. This variant has not been reported in the literature in individuals affected with ACE-related conditions. This variant is present in population databases (rs142328237, gnomAD 0.01%). This sequence change replaces serine, which is neutral and polar, with leucine, which is neutral and non-polar, at codon 362 of the ACE protein (p.Ser362Leu).

NM_000789.4(ACE):c.1085C>T (p.Ser362Leu)

Gene: ACE (angiotensin I converting enzyme; plus strand). Cytogenetic location: 17q23.3.
Variant type: single nucleotide variant.
Coding change: c.1085C>T on transcript NM_000789.4 (MANE Select); coding-DNA position 1085, C replaced by T.
Protein change: p.Ser362Leu; replaces serine 362 with leucine.
Molecular consequence: missense variant.
Genome position (GRCh38, 1-based): chr17:63,481,705, C>T. VCF-style: chr17-63481705-C-T. GRCh37 (hg19) VCF-style: chr17-61559066-C-T.
Other names: short protein forms S362L.
Identifiers: ClinVar variation 2188148 (VCV002188148.5), dbSNP rs142328237, ClinGen allele CA292875109.